The following is an entry in ClinVar:

NM_024589.3(ROGDI):c.696C>T (p.Phe232=)

Gene: ROGDI (rogdi atypical leucine zipper; minus strand). Cytogenetic location: 16p13.3.
Variant type: single nucleotide variant.
Coding change: c.696C>T on transcript NM_024589.3 (MANE Select); coding-DNA position 696, C replaced by T.
Protein change: p.Phe232=; no amino-acid change (phenylalanine 232 retained).
Molecular consequence: synonymous variant. On other transcripts: non-coding transcript variant (1).
Genome position (GRCh38, 1-based): chr16:4,797,840, G>A on the plus strand (C>T on the coding strand, the complement: ROGDI is on the minus strand). VCF-style: chr16-4797840-G-A. GRCh37 (hg19) VCF-style: chr16-4847841-G-A.
Identifiers: ClinVar variation 319400 (VCV000319400.19), dbSNP rs75818610, ClinGen allele CA7882515.

ClinVar aggregate classification (germline): Benign/Likely benign. Review status: criteria provided, multiple submitters, no conflicts (2 of 4 stars). 5 submissions from 5 submitters: Benign (4); Likely benign (1). Last evaluated 2026-02-03.

Conditions:
Amelocerebrohypohidrotic syndrome (KTZS). Also called: KOHLSCHUTTER SYNDROME; EPILEPSY AND YELLOW TEETH; EPILEPSY, DEMENTIA, AND AMELOGENESIS IMPERFECTA; Kohlschutter's syndrome. Identifiers: Orphanet 1946, MedGen C0406740, MONDO:0009185, OMIM 226750.

Allele frequency attached by ClinVar (database versions not stated): ExAC 0.00195; gnomAD 0.00645 and 0.00686; ESP Exome Variant Server 0.00677; TOPMed 0.00720; 1000 Genomes Project 0.00859; 1000 Genomes Project 30x 0.00906.
gnomAD v4.1: 1,965 of 1,611,022 alleles (0.12%); highest among the groups gnomAD compares: African/African-American, 2.3%; 25 homozygotes.

Submissions (8):

Labcorp Genetics (formerly Invitae), Labcorp
Classification: Benign for Amelocerebrohypohidrotic syndrome. Last evaluated: 2026-02-03. Review status: criteria provided, single submitter. Criteria: Invitae Variant Classification Sherloc (09022015). Collection method: clinical testing. Allele origin: germline.

Blueprint Genetics
Classification: Likely benign. Last evaluated: 2024-11-21. Review status: criteria provided, single submitter. Criteria: ACMG Guidelines, 2015. Collection method: clinical testing. Allele origin: germline.

Illumina Laboratory Services, Illumina
Classification: Benign for Kohlschutter syndrome. Last evaluated: 2018-01-13. Review status: criteria provided, single submitter. Criteria: ICSL Variant Classification Criteria 13 December 2019. Collection method: clinical testing. Allele origin: germline.
Comment: This variant was observed in the ICSL laboratory as part of a predisposition screen in an ostensibly healthy population. It had not been previously curated by ICSL or reported in the Human Gene Mutation Database (HGMD: prior to June 1st, 2018), and was therefore a candidate for classification through an automated scoring system. Utilizing variant allele frequency, disease prevalence and penetrance estimates, and inheritance mode, an automated score was calculated to assess if this variant is too frequent to cause the disease. Based on the score and internal cut-off values, a variant classified as benign is not then subjected to further curation. The score for this variant resulted in a classification of benign for this disease.

Athena Diagnostics
Classification: Benign. Last evaluated: 2017-11-20. Review status: criteria provided, single submitter. Criteria: Athena Diagnostics Criteria. Collection method: clinical testing. Allele origin: germline.

Breakthrough Genomics
Classification: Benign. Review status: criteria provided, single submitter. Criteria: ACMG Guidelines, 2015. Collection method: not provided. Allele origin: germline. Inheritance: Autosomal recessive inheritance. Affected: yes.

Dr. Peter K. Rogan Lab, Western University
No classification provided (evidence only). Condition: Uterine corpus endometrial carcinoma. Review status: no classification provided. Collection method: in vitro. Allele origin: not applicable. Functional consequence: cryptic splice site. Not counted in ClinVar's aggregate classification.

Dr. Peter K. Rogan Lab, Western University
No classification provided (evidence only). Condition: Uterine corpus endometrial carcinoma. Review status: no classification provided. Collection method: in vitro. Allele origin: not applicable. Functional consequence: retained intron. Not counted in ClinVar's aggregate classification.

Dr. Peter K. Rogan Lab, Western University
No classification provided (evidence only). Condition: Cervical cancer. Review status: no classification provided. Collection method: in vitro. Allele origin: not applicable. Functional consequence: retained intron. Not counted in ClinVar's aggregate classification.